The following is an entry in ClinVar:

NM_000038.6(APC):c.2696C>A (p.Thr899Asn)

Gene: APC (APC regulator of Wnt signaling pathway; plus strand). Cytogenetic location: 5q22.2.
Variant type: single nucleotide variant.
Coding change: c.2696C>A on transcript NM_000038.6 (MANE Select); coding-DNA position 2696, C replaced by A.
Protein change: p.Thr899Asn; replaces threonine 899 with asparagine.
Molecular consequence: missense variant.
Genome position (GRCh38, 1-based): chr5:112,838,290, C>A. VCF-style: chr5-112838290-C-A. GRCh37 (hg19) VCF-style: chr5-112173987-C-A.
Other names: c.2696C>A, p.Thr899Asn (NM_001127510.3, NM_001354895.2); c.2642C>A, p.Thr881Asn (NM_001127511.3); c.2750C>A, p.Thr917Asn (NM_001354896.2); c.2726C>A, p.Thr909Asn (NM_001354897.2); c.2621C>A, p.Thr874Asn (NM_001354898.2); c.2612C>A, p.Thr871Asn (NM_001354899.2); c.2573C>A, p.Thr858Asn (NM_001354900.2); c.2519C>A, p.Thr840Asn (NM_001354901.2); and 5 more; short protein forms T881N, T899N, T773N, T739N, T798N, T808N, T858N, T874N.
Identifiers: ClinVar variation 490251 (VCV000490251.15), dbSNP rs864622670, ClinGen allele CA16027217.

ClinVar aggregate classification (germline): Uncertain significance. Review status: criteria provided, multiple submitters, no conflicts (2 of 4 stars). 4 submissions from 4 submitters: Uncertain significance (4). Last evaluated 2026-06-29.

Conditions:
Hereditary cancer-predisposing syndrome. Also called: Neoplastic Syndromes, Hereditary; Hereditary neoplastic syndrome; Hereditary Cancer Syndrome; Tumor predisposition. Identifiers: Orphanet 140162, MedGen C0027672, MeSH D009386, MONDO:0015356.
Familial adenomatous polyposis 1 (FAP1). Also called: POLYPOSIS, ADENOMATOUS INTESTINAL; FAMILIAL ADENOMATOUS POLYPOSIS 1, ATTENUATED. Identifiers: MedGen C2713442, MONDO:0021056, OMIM 175100. Disease mechanism: loss of function.

gnomAD v4.1: 1 of 1,614,206 alleles (0.000062%); highest among the groups gnomAD compares: Non-Finnish European, 0.000085%; no homozygotes.

Submissions (4):

Ambry Genetics
Classification: Uncertain significance for Hereditary cancer-predisposing syndrome. Last evaluated: 2026-06-29. Review status: criteria provided, single submitter. Criteria: Ambry Variant Classification Scheme 2023. Collection method: clinical testing. Allele origin: germline.

GeneDx
Classification: Uncertain significance. Last evaluated: 2025-04-02. Review status: criteria provided, single submitter. Criteria: GeneDx Variant Classification Process June 2021. Collection method: clinical testing. Allele origin: germline. Affected: yes.
Comment: Not observed at significant frequency in large population cohorts (gnomAD); In silico analysis supports that this missense variant has a deleterious effect on protein structure/function; Has not been previously published as pathogenic or benign to our knowledge

Labcorp Genetics (formerly Invitae), Labcorp
Classification: Uncertain significance for Familial adenomatous polyposis 1. Last evaluated: 2022-10-01. Review status: criteria provided, single submitter. Criteria: Invitae Variant Classification Sherloc (09022015). Collection method: clinical testing. Allele origin: germline.
Comment: Advanced modeling of protein sequence and biophysical properties (such as structural, functional, and spatial information, amino acid conservation, physicochemical variation, residue mobility, and thermodynamic stability) performed at Invitae indicates that this missense variant is not expected to disrupt APC protein function. This sequence change replaces threonine, which is neutral and polar, with asparagine, which is neutral and polar, at codon 899 of the APC protein (p.Thr899Asn). This variant is not present in population databases (gnomAD no frequency). This variant has not been reported in the literature in individuals affected with APC-related conditions. ClinVar contains an entry for this variant (Variation ID: 490251). In summary, the available evidence is currently insufficient to determine the role of this variant in disease. Therefore, it has been classified as a Variant of Uncertain Significance.

Color Diagnostics, LLC DBA Color Health
Classification: Uncertain significance for Hereditary cancer-predisposing syndrome. Last evaluated: 2019-02-08. Review status: criteria provided, single submitter. Criteria: ACMG Guidelines, 2015. Collection method: clinical testing. Allele origin: germline.